The following is an entry in ClinVar:

ClinVar aggregate classification (germline): Uncertain significance. Review status: criteria provided, multiple submitters, no conflicts (2 of 4 stars). 3 submissions from 3 submitters: Uncertain significance (3). Last evaluated 2026-05-08.

Conditions:
CEP164-related disorder. Also called: CEP164-related condition.
Nephronophthisis 15 (NPHP15). Identifiers: Orphanet 3156, MedGen C3541853, MONDO:0013917, OMIM 614845.

Allele frequency attached by ClinVar (database versions not stated): gnomAD exomes below 0.00001; ExAC 0.00001; TOPMed 0.00002.
gnomAD v4.1: 3 of 1,613,992 alleles (0.00019%); highest among the groups gnomAD compares: African/African-American, 0.0027%; no homozygotes.

Submissions (3):

PreventionGenetics, part of Exact Sciences
Classification: Uncertain significance for CEP164-related condition. Last evaluated: 2026-05-08. Review status: criteria provided, single submitter. Criteria: ACMG Guidelines, 2015. Collection method: clinical testing. Allele origin: germline.
Comment: The CEP164 c.1738C>A variant is predicted to result in the amino acid substitution p.Pro580Thr. To our knowledge, this variant has not been reported in the literature. This variant is reported in 0.0080% of alleles in individuals of African descent in gnomAD. At this time, the clinical significance of this variant is uncertain due to the absence of conclusive functional and genetic evidence.

Labcorp Genetics (formerly Invitae), Labcorp
Classification: Uncertain significance for Nephronophthisis 15. Last evaluated: 2025-11-12. Review status: criteria provided, single submitter. Criteria: Invitae Variant Classification Sherloc (09022015). Collection method: clinical testing. Allele origin: germline.
Comment: This sequence change replaces proline, which is neutral and non-polar, with threonine, which is neutral and polar, at codon 580 of the CEP164 protein (p.Pro580Thr). This variant is present in population databases (rs758890143, gnomAD 0.004%). This variant has not been reported in the literature in individuals affected with CEP164-related conditions. ClinVar contains an entry for this variant (Variation ID: 1004227). Invitae Evidence Modeling of protein sequence and biophysical properties (such as structural, functional, and spatial information, amino acid conservation, physicochemical variation, residue mobility, and thermodynamic stability) indicates that this missense variant is not expected to disrupt CEP164 protein function with a negative predictive value of 80%. In summary, the available evidence is currently insufficient to determine the role of this variant in disease. Therefore, it has been classified as a Variant of Uncertain Significance.

Fulgent Genetics
Classification: Uncertain significance for Nephronophthisis 15. Last evaluated: 2024-03-27. Review status: criteria provided, single submitter. Criteria: ACMG Guidelines, 2015. Collection method: clinical testing. Allele origin: germline.

NM_014956.5(CEP164):c.1738C>A (p.Pro580Thr)

Gene: CEP164 (centrosomal protein 164; plus strand). Cytogenetic location: 11q23.3.
Variant type: single nucleotide variant.
Coding change: c.1738C>A on transcript NM_014956.5 (MANE Select); coding-DNA position 1738, C replaced by A.
Protein change: p.Pro580Thr; replaces proline 580 with threonine.
Molecular consequence: missense variant.
Genome position (GRCh38, 1-based): chr11:117,387,216, C>A. VCF-style: chr11-117387216-C-A. GRCh37 (hg19) VCF-style: chr11-117257932-C-A.
Other names: c.1747C>A, p.Pro583Thr (NM_001271933.2); c.1738C>A (NM_014956.4); short protein forms P580T, P583T.
Identifiers: ClinVar variation 1004227 (VCV001004227.8), dbSNP rs758890143, ClinGen allele CA6294855.